The following is an entry in ClinVar:

ClinVar aggregate classification (germline): Uncertain significance. Review status: criteria provided, multiple submitters, no conflicts (2 of 4 stars). 2 submissions from 2 submitters: Uncertain significance (2). Last evaluated 2026-06-12.

Conditions:
Hereditary sensory and autonomic neuropathy type 6. Also called: HSAN VI; Neuropathy, hereditary sensory and autonomic, type VI. Identifiers: Orphanet 314381, MedGen C3539003, MONDO:0013839, OMIM 614653.
Epidermolysis bullosa simplex 3, localized or generalized intermediate, with BP230 deficiency (EBS3). Also called: Epidermolysis bullosa simplex, autosomal recessive 2; Epidermolysis bullosa simplex due to BP230 deficiency. Identifiers: Orphanet 412181, MedGen C3809470, MONDO:0014180, OMIM 615425.

Allele frequency attached by ClinVar (database versions not stated): ExAC 0.00002; TOPMed 0.00009; gnomAD 0.00010 and 0.00011; gnomAD exomes 0.00006 and 0.00009.
gnomAD v4.1: 155 of 1,614,006 alleles (0.0096%); highest among the groups gnomAD compares: Admixed American, 0.023%; no homozygotes.

Submissions (2):

GeneDx
Classification: Uncertain significance. Last evaluated: 2026-06-12. Review status: criteria provided, single submitter. Criteria: GeneDx Variant Classification Process June 2021. Collection method: clinical testing. Allele origin: germline.
Comment: In silico analysis suggests that this missense variant does not alter protein structure/function; Has not been previously published as pathogenic or benign to our knowledge; Reported using the transcript encoding the epithelial isoform of the gene

Labcorp Genetics (formerly Invitae), Labcorp
Classification: Uncertain significance for Epidermolysis bullosa simplex 3, localized or generalized intermediate, with BP230 deficiency; Hereditary sensory and autonomic neuropathy type 6. Last evaluated: 2024-10-27. Review status: criteria provided, single submitter. Criteria: Invitae Variant Classification Sherloc (09022015). Collection method: clinical testing. Allele origin: germline.
Comment: This sequence change replaces isoleucine, which is neutral and non-polar, with threonine, which is neutral and polar, at codon 1222 of the DST protein (p.Ile1222Thr). This variant is present in population databases (rs757261774, gnomAD 0.01%). This variant has not been reported in the literature in individuals affected with DST-related conditions. ClinVar contains an entry for this variant (Variation ID: 650492). An algorithm developed to predict the effect of missense changes on protein structure and function (PolyPhen-2) suggests that this variant¬¨‚Ä†is likely to be tolerated. In summary, the available evidence is currently insufficient to determine the role of this variant in disease. Therefore, it has been classified as a Variant of Uncertain Significance.

NM_001723.7(DST):c.3665T>C (p.Ile1222Thr)

Gene: DST (dystonin; minus strand). Cytogenetic location: 6p12.1.
Variant type: single nucleotide variant.
Coding change: c.3665T>C on transcript NM_001723.7 (MANE Plus Clinical); coding-DNA position 3665, T replaced by C.
Protein change: p.Ile1222Thr; replaces isoleucine 1222 with threonine.
Molecular consequence: missense variant. On other transcripts: intron variant (10).
Genome position (GRCh38, 1-based): chr6:56,620,369, A>G on the plus strand (T>C on the coding strand, the complement: DST is on the minus strand). VCF-style: chr6-56620369-A-G. GRCh37 (hg19) VCF-style: chr6-56485167-A-G.
Other names: c.4830+4161T>C (NM_001144769.5); c.4929+4161T>C (NM_001374722.1, NM_001374736.1); c.4956+4161T>C (NM_001374734.1); c.4416+4161T>C (NM_001144770.2); c.4296+4161T>C (NM_001374730.1, NM_001386100.1, NM_183380.4 and 1 more transcripts); c.3318+4161T>C (NM_015548.5); short protein forms I1222T.
Identifiers: ClinVar variation 650492 (VCV000650492.9), dbSNP rs757261774, ClinGen allele CA3870671.
Genomic context (GRCh38, chr6:56,620,369, plus strand): 5'-AACTGATTGCGAAAATTCAGGAGGTTCTCTTCCACGGCAGCTCTTTTAGCCTCGGCCTCT[A>G]TGGTGAGCTGCCTCACCCGCTCCAGTTCTCTTTCAGCGGCTTCCTTCTCTCTCACAATGG-3'
Protein context (NP_001714.1, residues 1212-1232): RELERVRQLT[Ile1222Thr]EAEAKRAAVE